The following is an entry in ClinVar:

ClinVar aggregate classification (germline): Uncertain significance (1 of 4 stars; one submission).

gnomAD v4.1: 2 of 1,613,816 alleles (0.00012%); highest among the groups gnomAD compares: Admixed American, 0.0033%; no homozygotes.

Submission:

Labcorp Genetics (formerly Invitae), Labcorp
Classification: Uncertain significance. Last evaluated: 2024-04-29. Review status: criteria provided, single submitter. Criteria: Invitae Variant Classification Sherloc (09022015). Collection method: clinical testing. Allele origin: germline.
Comment: This sequence change replaces threonine, which is neutral and polar, with isoleucine, which is neutral and non-polar, at codon 1598 of the PIK3C2A protein (p.Thr1598Ile). This variant is present in population databases (no rsID available, gnomAD 0.006%). This variant has not been reported in the literature in individuals affected with PIK3C2A-related conditions. An algorithm developed to predict the effect of missense changes on protein structure and function (PolyPhen-2) suggests that this variant is likely to be disruptive. In summary, the available evidence is currently insufficient to determine the role of this variant in disease. Therefore, it has been classified as a Variant of Uncertain Significance.

NM_002645.4(PIK3C2A):c.4793C>T (p.Thr1598Ile)

Gene: PIK3C2A (phosphatidylinositol-4-phosphate 3-kinase catalytic subunit type 2 alpha; minus strand). Cytogenetic location: 11p15.1.
Variant type: single nucleotide variant.
Coding change: c.4793C>T on transcript NM_002645.4 (MANE Select); coding-DNA position 4793, C replaced by T.
Protein change: p.Thr1598Ile; replaces threonine 1598 with isoleucine.
Molecular consequence: missense variant.
Genome position (GRCh38, 1-based): chr11:17,091,419, G>A on the plus strand (C>T on the coding strand, the complement: PIK3C2A is on the minus strand). VCF-style: chr11-17091419-G-A. GRCh37 (hg19) VCF-style: chr11-17112966-G-A.
Other names: c.4793C>T, p.Thr1598Ile (NM_001321378.2); c.3653C>T, p.Thr1218Ile (NM_001321380.2); c.4625C>T, p.Thr1542Ile (NM_001386870.1); short protein forms T1598I, T1218I, T1542I.
Identifiers: ClinVar variation 3676655 (VCV003676655.2).